The following is an entry in ClinVar:

NM_003480.4(MFAP5):c.500T>C (p.Leu167Ser)

Genes: MFAP5 (microfibril associated protein 5; minus strand), LOC126861443 (BRD4-independent group 4 enhancer GRCh37_chr12:8800473-8801672; plus strand). Cytogenetic location: 12p13.31.
Variant type: single nucleotide variant.
Coding change: c.500T>C on transcript NM_003480.4 (MANE Select); coding-DNA position 500, T replaced by C.
Protein change: p.Leu167Ser; replaces leucine 167 with serine.
Molecular consequence: missense variant. On other transcripts: non-coding transcript variant (2).
Genome position (GRCh38, 1-based): chr12:8,648,113, A>G on the plus strand (T>C on the coding strand, the complement: MFAP5 is on the minus strand). VCF-style: chr12-8648113-A-G. GRCh37 (hg19) VCF-style: chr12-8800709-A-G.
Other names: c.470T>C, p.Leu157Ser (NM_001297709.2); c.434T>C, p.Leu145Ser (NM_001297710.2); c.425T>C, p.Leu142Ser (NM_001297711.2); c.308T>C, p.Leu103Ser (NM_001297712.2); short protein forms L103S, L142S, L145S, L157S, L167S.
Identifiers: ClinVar variation 3614737 (VCV003614737.2).

ClinVar aggregate classification (germline): Uncertain significance (1 of 4 stars; one submission).

Submission:

Labcorp Genetics (formerly Invitae), Labcorp
Classification: Uncertain significance. Last evaluated: 2025-03-31. Review status: criteria provided, single submitter. Criteria: Invitae Variant Classification Sherloc (09022015). Collection method: clinical testing. Allele origin: germline.
Comment: This sequence change replaces leucine, which is neutral and non-polar, with serine, which is neutral and polar, at codon 167 of the MFAP5 protein (p.Leu167Ser). This variant is present in population databases (rs755549851, gnomAD 0.01%). This variant has not been reported in the literature in individuals affected with MFAP5-related conditions. An algorithm developed to predict the effect of missense changes on protein structure and function outputs the following: PolyPhen-2: "Benign". The serine amino acid residue is found in multiple mammalian species, which suggests that this missense change does not adversely affect protein function. In summary, the available evidence is currently insufficient to determine the role of this variant in disease. Therefore, it has been classified as a Variant of Uncertain Significance.